The following is an entry in ClinVar:

ClinVar aggregate classification (germline): Pathogenic. Review status: criteria provided, multiple submitters, no conflicts (2 of 4 stars). 6 submissions from 6 submitters: Pathogenic (6). Last evaluated 2026-01-27.

Conditions:
CYP21A2-related disorder. Also called: CYP21A2-related condition.
Congenital adrenal hyperplasia. Identifiers: Orphanet 418, MedGen C0001627, MONDO:0018479, HP:0008258.

Allele frequency attached by ClinVar (database versions not stated): gnomAD exomes below 0.00001; gnomAD 0.00001.

Submissions (6):

Labcorp Genetics (formerly Invitae), Labcorp
Classification: Pathogenic. Last evaluated: 2026-01-27. Review status: criteria provided, single submitter. Criteria: Invitae Variant Classification Sherloc (09022015). Collection method: clinical testing. Allele origin: germline.
Comment: This sequence change replaces histidine, which is basic and polar, with tyrosine, which is neutral and polar, at codon 366 of the CYP21A2 protein (p.His366Tyr). The frequency data for this variant in the population databases (gnomAD) is considered unreliable due to the presence of homologous sequence, such as pseudogenes or paralogs, in the genome. This missense change has been observed in individual(s) with classic salt-wasting and simple virilizing congenital adrenal hyperplasia due to 21-hydroxylase deficiency (PMID: 15110320, 16427797, 20926536, 21134444, 27185867). In at least one individual the data is consistent with being in trans (on the opposite chromosome) from a pathogenic variant. This variant is also known as H365Y. ClinVar contains an entry for this variant (Variation ID: 988353). Invitae Evidence Modeling of protein sequence and biophysical properties (such as structural, functional, and spatial information, amino acid conservation, physicochemical variation, residue mobility, and thermodynamic stability) indicates that this missense variant is expected to disrupt CYP21A2 protein function with a positive predictive value of 80%. Experimental studies have shown that this missense change affects CYP21A2 function (PMID: 21134444). For these reasons, this variant has been classified as Pathogenic.

Women's Health and Genetics/Laboratory Corporation of America, LabCorp
Classification: Pathogenic for Congenital adrenal hyperplasia. Last evaluated: 2025-06-18. Review status: criteria provided, single submitter. Criteria: LabCorp Variant Classification Summary - May 2015. Collection method: clinical testing. Allele origin: germline.
Comment: Variant summary: CYP21A2 c.1096C>T (p.His366Tyr) results in a conservative amino acid change in the encoded protein sequence. Algorithms developed to predict the effect of missense changes on protein structure and function are either unavailable or do not agree on the potential impact of this missense change. The variant allele was found at a frequency of 4e-06 in 248938 control chromosomes (gnomAD). c.1096C>T has been observed in multiple individuals affected with Congenital Adrenal Hyperplasia (Zeng_2004, Gaffney_2011, Finkielstain_2010). These data indicate that the variant is very likely to be associated with disease. At least one publication reports experimental evidence evaluating an impact on protein function and this variant affected the CYP21A2 orotein function (Gaffney_2011). The following publications have been ascertained in the context of this evaluation (PMID: 16427797, 20926536, 21134444, 15110320). ClinVar contains an entry for this variant (Variation ID: 988353). Based on the evidence outlined above, the variant was classified as pathogenic.

PreventionGenetics, part of Exact Sciences
Classification: Pathogenic for CYP21A2-related condition. Last evaluated: 2025-06-12. Review status: criteria provided, single submitter. Criteria: ACMG Guidelines, 2015. Collection method: clinical testing. Allele origin: germline.
Comment: The CYP21A2 c.1096C>T variant is predicted to result in the amino acid substitution p.His366Tyr. Resulting in minimal 21-hydroxylase activity, this variant has been reported to be associated with salt-wasting (SW) congenital adrenal hyperplasia (CAH) (also known as H365Y; Gaffney et al. 2011. PubMed ID: 21134444; Zeng et al. 2004. PubMed ID: 15110320; in silico evaluation in Haider et al. 2013. PubMed ID: 23359706). This variant is interpreted as pathogenic.

Quest Diagnostics Nichols Institute San Juan Capistrano
Classification: Pathogenic. Last evaluated: 2025-02-28. Review status: criteria provided, single submitter. Criteria: Quest Diagnostics criteria. Collection method: clinical testing. Allele origin: unknown.
Comment: The CYP21A2 c.1096C>T (p.His366Tyr) variant has been reported in the published literature in individuals with classic CAH (PMID: 15110320 (2004), 16427797 (2006), 20926536 (2011), 21134444 (2011), 27185867 (2016)). Functional studies suggest that this variant resulted in lower enzyme activity and causes the synthesis of CYP21A2 protein that is catalytically inefficient and may be unstable (PMID: 21134444 (2011)). The frequency of this variant in the general population (Genome Aggregation Database) is uninformative in the assessment of its pathogenicity. Analysis of this variant using bioinformatics tools for the prediction of the effect of amino acid changes on protein structure and function yielded predictions that this variant is damaging. Based on the available information, this variant is classified as pathogenic.

Blueprint Genetics
Classification: Pathogenic for CYP21A2-related disorders. Last evaluated: 2024-03-12. Review status: criteria provided, single submitter. Criteria: ACMG Guidelines, 2015. Collection method: clinical testing. Allele origin: germline. Affected: yes. Observed: 5 variant alleles.

Clinical Genetics and Genomics, Karolinska University Hospital
Classification: Pathogenic. Last evaluated: 2015-02-26. Review status: criteria provided, single submitter. Criteria: ACMG Guidelines, 2015. Collection method: clinical testing. Allele origin: germline. Affected: yes. Observed: 1 variant allele.

Literature cited by the submitters: PubMed 15110320 (cited by Labcorp Genetics (formerly Invitae), Labcorp and Women's Health and Genetics/Laboratory Corporation of America, LabCorp); PubMed 16427797 (cited by Labcorp Genetics (formerly Invitae), Labcorp and Women's Health and Genetics/Laboratory Corporation of America, LabCorp); PubMed 20926536 (cited by Labcorp Genetics (formerly Invitae), Labcorp and Women's Health and Genetics/Laboratory Corporation of America, LabCorp); PubMed 21134444 (cited by Labcorp Genetics (formerly Invitae), Labcorp and Women's Health and Genetics/Laboratory Corporation of America, LabCorp); PubMed 27185867 (cited by Labcorp Genetics (formerly Invitae), Labcorp).

NM_000500.9(CYP21A2):c.1096C>T (p.His366Tyr)

Genes: CYP21A2 (cytochrome P450 family 21 subfamily A member 2; plus strand), LOC106780800 (CYP21A2 recombination region; plus strand). Cytogenetic location: 6p21.33.
Variant type: single nucleotide variant.
Coding change: c.1096C>T on transcript NM_000500.9 (MANE Select); coding-DNA position 1096, C replaced by T.
Protein change: p.His366Tyr; replaces histidine 366 with tyrosine.
Molecular consequence: missense variant.
Genome position (GRCh38, 1-based): chr6:32,040,562, C>T. VCF-style: chr6-32040562-C-T. GRCh37 (hg19) VCF-style: chr6-32008339-C-T.
Other names: c.1006C>T, p.His336Tyr (NM_001128590.4); c.691C>T, p.His231Tyr (NM_001368143.2, NM_001368144.2); c.1096C>T (NM_000500.7); short protein forms H231Y, H336Y, H366Y.
Identifiers: ClinVar variation 988353 (VCV000988353.11), dbSNP rs1330554738, ClinGen allele CA363511157.